The following is an entry in ClinVar:

ClinVar aggregate classification (germline): Uncertain significance. Review status: criteria provided, multiple submitters, no conflicts (2 of 4 stars). 3 submissions from 3 submitters: Uncertain significance (3). Last evaluated 2024-06-15.

Conditions:
Inborn genetic diseases. Identifiers: MedGen C0950123, MeSH D030342.
Fanconi anemia complementation group P. Also called: SLX4-Related Fanconi Anemia. Identifiers: Orphanet 84, MedGen C3469542, MONDO:0013499, OMIM 613951.
Fanconi anemia (FA). Also called: Fanconi's anemia. Identifiers: Orphanet 84, MedGen C0015625, MeSH D005199, MONDO:0019391.

Allele frequency attached by ClinVar (database versions not stated): gnomAD 0.00001; gnomAD exomes 0.00001; TOPMed 0.00001.
gnomAD v4.1: 19 of 1,614,010 alleles (0.0012%); highest among the groups gnomAD compares: Non-Finnish European, 0.0015%; no homozygotes.

Submissions (3):

Fulgent Genetics
Classification: Uncertain significance for Fanconi anemia complementation group P. Last evaluated: 2024-06-15. Review status: criteria provided, single submitter. Criteria: ACMG Guidelines, 2015. Collection method: clinical testing. Allele origin: germline.

Ambry Genetics
Classification: Uncertain significance for Inborn genetic diseases. Last evaluated: 2023-01-06. Review status: criteria provided, single submitter. Criteria: Ambry Variant Classification Scheme 2023. Collection method: clinical testing. Allele origin: germline.

Labcorp Genetics (formerly Invitae), Labcorp
Classification: Uncertain significance for Fanconi anemia. Last evaluated: 2022-02-05. Review status: criteria provided, single submitter. Criteria: Invitae Variant Classification Sherloc (09022015). Collection method: clinical testing. Allele origin: germline.
Comment: This sequence change replaces alanine, which is neutral and non-polar, with threonine, which is neutral and polar, at codon 1647 of the SLX4 protein (p.Ala1647Thr). This variant is not present in population databases (gnomAD no frequency). This variant has not been reported in the literature in individuals affected with SLX4-related conditions. Algorithms developed to predict the effect of missense changes on protein structure and function are either unavailable or do not agree on the potential impact of this missense change (SIFT: "Tolerated"; PolyPhen-2: "Possibly Damaging"; Align-GVGD: "Class C0"). In summary, the available evidence is currently insufficient to determine the role of this variant in disease. Therefore, it has been classified as a Variant of Uncertain Significance.

NM_032444.4(SLX4):c.4939G>A (p.Ala1647Thr)

Gene: SLX4 (SLX4 structure-specific endonuclease subunit; minus strand). Cytogenetic location: 16p13.3.
Variant type: single nucleotide variant.
Coding change: c.4939G>A on transcript NM_032444.4 (MANE Select); coding-DNA position 4939, G replaced by A.
Protein change: p.Ala1647Thr; replaces alanine 1647 with threonine.
Molecular consequence: missense variant.
Genome position (GRCh38, 1-based): chr16:3,583,311, C>T on the plus strand (G>A on the coding strand, the complement: SLX4 is on the minus strand). VCF-style: chr16-3583311-C-T. GRCh37 (hg19) VCF-style: chr16-3633312-C-T.
Other names: c.4939G>A (NM_032444.2); short protein forms A1647T.
Identifiers: ClinVar variation 1483625 (VCV001483625.8), dbSNP rs2040464512, ClinGen allele CA394515071.